The following is an entry in ClinVar:

ClinVar aggregate classification (germline): Pathogenic (1 of 4 stars; one submission).

Conditions:
LAMA2-related muscular dystrophy (LAMA2-RD). Also called: Laminin alpha 2-related dystrophy. Identifiers: MedGen C5679788, MONDO:0100228.

Allele frequency attached by ClinVar (database versions not stated): TOPMed 0.00001.

Submission:

Labcorp Genetics (formerly Invitae), Labcorp
Classification: Pathogenic for LAMA2-related muscular dystrophy. Last evaluated: 2026-01-21. Review status: criteria provided, single submitter. Criteria: Invitae Variant Classification Sherloc (09022015). Collection method: clinical testing. Allele origin: germline.
Comment: This sequence change creates a premature translational stop signal (p.Glu213Glyfs*6) in the LAMA2 gene. It is expected to result in an absent or disrupted protein product. Loss-of-function variants in LAMA2 are known to be pathogenic (PMID: 18700894, 32904964). This variant is not present in population databases (gnomAD no frequency). This variant has not been reported in the literature in individuals affected with LAMA2-related conditions. ClinVar contains an entry for this variant (Variation ID: 2109441). For these reasons, this variant has been classified as Pathogenic.

Literature cited by the submitters: PubMed 18700894; PubMed 32904964.

NM_000426.4(LAMA2):c.638del (p.Glu213fs)

Gene: LAMA2 (laminin subunit alpha 2; plus strand). Cytogenetic location: 6q22.33.
Variant type: Deletion.
Coding change: c.638del on transcript NM_000426.4 (MANE Select); coding-DNA position 638, one base deleted (A; older notation c.638delA).
Protein change: p.Glu213fs; shifts the reading frame from glutamic acid 213.
Molecular consequence: frameshift variant.
Genome position (GRCh38, 1-based): chr6:129,098,414, A deleted. VCF-style (leftmost placement, unchanged base first): chr6-129098413-GA-G. GRCh37 (hg19) VCF-style: chr6-129419558-GA-G.
Other names: c.638del, p.Glu213fs (NM_001079823.2); short protein forms E213fs.
Identifiers: ClinVar variation 2109441 (VCV002109441.3), dbSNP rs1775316036, ClinGen allele CA1663011901.
Genomic context (GRCh38, chr6:129,098,413, plus strand): 5'-AAAGATGATGAGGTCATCTGCACTTCATTTTACTCCAAGATACACCCCTTAGAAAATGGA[GA>G]GGTAAGATGAGAAAACTCACCATTTAAGCACATTTGATACGGTGAAATAGGCCTGTCAGA-3'